The following is an entry in ClinVar:

NM_001042492.3(NF1):c.150G>T (p.Lys50Asn)

Gene: NF1 (neurofibromin 1; plus strand). Cytogenetic location: 17q11.2.
Variant type: single nucleotide variant.
Coding change: c.150G>T on transcript NM_001042492.3 (MANE Select); coding-DNA position 150, G replaced by T.
Protein change: p.Lys50Asn; replaces lysine 50 with asparagine.
Molecular consequence: missense variant.
Genome position (GRCh38, 1-based): chr17:31,156,072, G>T. VCF-style: chr17-31156072-G-T. GRCh37 (hg19) VCF-style: chr17-29483090-G-T.
Other names: c.150G>T, p.Lys50Asn (NM_000267.4, NM_001128147.3); short protein forms K50N.
Identifiers: ClinVar variation 2452262 (VCV002452262.2), dbSNP rs1597626037, ClinGen allele CA398988485.

ClinVar aggregate classification (germline): Uncertain significance (1 of 4 stars; one submission).

Conditions:
Hereditary cancer-predisposing syndrome. Also called: Neoplastic Syndromes, Hereditary; Tumor predisposition; Hereditary neoplastic syndrome; Hereditary Cancer Syndrome. Identifiers: Orphanet 140162, MedGen C0027672, MeSH D009386, MONDO:0015356.
Cardiovascular phenotype. Identifiers: MedGen CN230736.

Submission:

Ambry Genetics
Classification: Uncertain significance for Cardiovascular phenotype; Hereditary cancer-predisposing syndrome. Last evaluated: 2023-01-12. Review status: criteria provided, single submitter. Criteria: Ambry Variant Classification Scheme 2023. Collection method: clinical testing. Allele origin: germline.
Comment: The p.K50N variant (also known as c.150G>T), located in coding exon 2 of the NF1 gene, results from a G to T substitution at nucleotide position 150. The lysine at codon 50 is replaced by asparagine, an amino acid with similar properties. This amino acid position is conserved. In addition, this alteration is predicted to be tolerated by in silico analysis. Since supporting evidence is limited at this time, the clinical significance of this alteration remains unclear.